The following is an entry in ClinVar:

ClinVar aggregate classification (germline): Uncertain significance (1 of 4 stars; one submission).

Submission:

Ambry Genetics
Classification: Uncertain significance. Last evaluated: 2021-11-06. Review status: criteria provided, single submitter. Criteria: Ambry Variant Classification Scheme 2023. Collection method: clinical testing. Allele origin: germline.
Comment: The p.G2583R variant (also known as c.7747G>A), located in coding exon 30 of the POLQ gene, results from a G to A substitution at nucleotide position 7747. The glycine at codon 2583 is replaced by arginine, an amino acid with dissimilar properties. This amino acid position is conserved. In addition, the in silico prediction for this alteration is inconclusive. Since supporting evidence is limited at this time, the clinical significance of this alteration remains unclear.

NM_199420.4(POLQ):c.7747G>A (p.Gly2583Arg)

Gene: POLQ (DNA polymerase theta; minus strand). Cytogenetic location: 3q13.33.
Variant type: single nucleotide variant.
Coding change: c.7747G>A on transcript NM_199420.4 (MANE Select); coding-DNA position 7747, G replaced by A.
Protein change: p.Gly2583Arg; replaces glycine 2583 with arginine.
Molecular consequence: missense variant.
Genome position (GRCh38, 1-based): chr3:121,432,330, C>T on the plus strand (G>A on the coding strand, the complement: POLQ is on the minus strand). VCF-style: chr3-121432330-C-T. GRCh37 (hg19) VCF-style: chr3-121151177-C-T.
Other names: short protein forms G2583R.
Identifiers: ClinVar variation 1760420 (VCV001760420.2), dbSNP rs2546744289, ClinGen allele CA354092509.